The following is an entry in ClinVar:

ClinVar aggregate classification (germline): not provided (0 of 4 stars; one submission).

Submission:

Human Evolutionary Genetics, Institut Pasteur
No classification provided. Review status: no classification provided. Collection method: not provided. Allele origin: germline.
ClinVar note: Converted during submission from untested to not provided.

NM_001199138.2(NLRC4):c.2522-35A>T

Gene: NLRC4 (NLR family CARD domain containing 4; minus strand). Cytogenetic location: 2p22.3.
Variant type: single nucleotide variant.
Coding change: c.2522-35A>T on transcript NM_001199138.2 (MANE Select); 35 bases into the intron before coding-DNA position 2522, A replaced by T.
Molecular consequence: intron variant.
Genome position (GRCh38, 1-based): chr2:32,236,374, T>A on the plus strand (A>T on the coding strand, the complement: NLRC4 is on the minus strand). VCF-style: chr2-32236374-T-A. GRCh37 (hg19) VCF-style: chr2-32461443-T-A.
Other names: c.527-35A>T (NM_001302504.1); c.2522-35A>T (NM_021209.4, NM_001199139.1).
Identifiers: ClinVar variation 103080 (VCV000103080.2), dbSNP rs199476296, ClinGen allele CA230089.